The following is an entry in ClinVar:

NM_003995.4(NPR2):c.16C>A (p.Leu6Ile)

Gene: NPR2 (natriuretic peptide receptor 2; plus strand). Cytogenetic location: 9p13.3.
Variant type: single nucleotide variant.
Coding change: c.16C>A on transcript NM_003995.4 (MANE Select); coding-DNA position 16, C replaced by A.
Protein change: p.Leu6Ile; replaces leucine 6 with isoleucine.
Molecular consequence: missense variant.
Genome position (GRCh38, 1-based): chr9:35,792,424, C>A. VCF-style: chr9-35792424-C-A. GRCh37 (hg19) VCF-style: chr9-35792421-C-A.
Other names: c.16C>A, p.Leu6Ile (NM_001378923.1); short protein forms L6I.
Identifiers: ClinVar variation 3772277 (VCV003772277.13).

ClinVar aggregate classification (germline): Likely benign (1 of 4 stars; one submission).

Submission:

CeGaT Center for Human Genetics Tuebingen
Classification: Likely benign. Last evaluated: 2025-01-01. Review status: criteria provided, single submitter. Criteria: CeGaT Center For Human Genetics Tuebingen Variant Classification Criteria Version 2. Collection method: clinical testing. Allele origin: germline. Affected: yes. Observed: 1 variant allele.
Comment: NPR2: PM2, PP2, BS4